The following is an entry in ClinVar:

NM_004380.3(CREBBP):c.2733A>G (p.Gln911=)

Gene: CREBBP (CREB binding lysine acetyltransferase; minus strand). Cytogenetic location: 16p13.3.
Variant type: single nucleotide variant.
Coding change: c.2733A>G on transcript NM_004380.3 (MANE Select); coding-DNA position 2733, A replaced by G.
Protein change: p.Gln911=; no amino-acid change (glutamine 911 retained).
Molecular consequence: synonymous variant.
Genome position (GRCh38, 1-based): chr16:3,770,717, T>C on the plus strand (A>G on the coding strand, the complement: CREBBP is on the minus strand). VCF-style: chr16-3770717-T-C. GRCh37 (hg19) VCF-style: chr16-3820718-T-C.
Other names: c.2619A>G, p.Gln873= (NM_001079846.1).
Identifiers: ClinVar variation 3355666 (VCV003355666.1).

ClinVar aggregate classification (germline): Likely benign (0 of 4 stars; one submission).

Conditions:
CREBBP-related disorder. Also called: CREBBP-related condition; CREBBP-related disorders.

gnomAD v4.1: 3 of 1,613,906 alleles (0.00019%); highest among the groups gnomAD compares: Non-Finnish European, 0.00025%; no homozygotes.

Submission:

PreventionGenetics, part of Exact Sciences
Classification: Likely benign for CREBBP-related condition. Last evaluated: 2023-01-31. Review status: no assertion criteria provided. Collection method: clinical testing. Allele origin: germline.
Comment: This variant is classified as likely benign based on ACMG/AMP sequence variant interpretation guidelines (Richards et al. 2015 PMID: 25741868, with internal and published modifications).